The following is an entry in ClinVar:

NM_001113378.2(FANCI):c.2T>G (p.Met1Arg)

Gene: FANCI (FA complementation group I; plus strand). Cytogenetic location: 15q26.1.
Variant type: single nucleotide variant.
Coding change: c.2T>G on transcript NM_001113378.2 (MANE Select); coding-DNA position 2, T replaced by G.
Protein change: p.Met1Arg; changes the start codon (methionine 1).
Molecular consequence: missense variant, initiator codon variant. On other transcripts: 5 prime UTR variant (1).
Genome position (GRCh38, 1-based): chr15:89,247,649, T>G. VCF-style: chr15-89247649-T-G. GRCh37 (hg19) VCF-style: chr15-89790880-T-G.
Other names: c.-273T>G (NM_001376910.1); c.2T>G, p.Met1Arg (NM_001376911.1, NM_018193.3); short protein forms M1R.
Identifiers: ClinVar variation 1998470 (VCV001998470.5), dbSNP rs2052048258, ClinGen allele CA393736268.
Genomic context (GRCh38, chr15:89,247,649, plus strand): 5'-TCTGGAATCTTCACCCACCTCTGACGTTTTTCCCTTGTAGTTCTGTGATATGAGCAACAA[T>G]GGACCAGAAGATTTTATCTCTAGCAGCAGAAAAAACAGCAGACAAACTGCAAGAATTTCT-3'
Protein context (NP_001106849.1, residues 1-11): [Met1Arg]DQKILSLAAE

ClinVar aggregate classification (germline): Uncertain significance (1 of 4 stars; one submission).

Conditions:
Fanconi anemia (FA). Also called: Fanconi's anemia. Identifiers: Orphanet 84, MedGen C0015625, MeSH D005199, MONDO:0019391.

Submission:

Labcorp Genetics (formerly Invitae), Labcorp
Classification: Uncertain significance for Fanconi anemia. Last evaluated: 2022-05-25. Review status: criteria provided, single submitter. Criteria: Invitae Variant Classification Sherloc (09022015). Collection method: clinical testing. Allele origin: germline.
Comment: In summary, the available evidence is currently insufficient to determine the role of this variant in disease. Therefore, it has been classified as a Variant of Uncertain Significance. Experimental studies and prediction algorithms are not available or were not evaluated, and the functional significance of this variant is currently unknown. Disruption of the initiator codon has been observed in individual(s) with Fanconi anemia (PMID: 17452773). This variant is not present in population databases (gnomAD no frequency). This sequence change affects the initiator methionine of the FANCI mRNA. The next in-frame methionine is located at codon 94.

Literature cited by the submitters: PubMed 17452773.